The following is an entry in ClinVar:

NM_003896.4(ST3GAL5):c.155G>A (p.Arg52Gln)

Gene: ST3GAL5 (ST3 beta-galactoside alpha-2,3-sialyltransferase 5; minus strand). Cytogenetic location: 2p11.2.
Variant type: single nucleotide variant.
Coding change: c.155G>A on transcript NM_003896.4 (MANE Select); coding-DNA position 155, G replaced by A.
Protein change: p.Arg52Gln; replaces arginine 52 with glutamine.
Molecular consequence: missense variant. On other transcripts: 5 prime UTR variant (5).
Genome position (GRCh38, 1-based): chr2:85,863,413, C>T on the plus strand (G>A on the coding strand, the complement: ST3GAL5 is on the minus strand). VCF-style: chr2-85863413-C-T. GRCh37 (hg19) VCF-style: chr2-86090536-C-T.
Other names: c.86G>A, p.Arg29Gln (NM_001042437.2); c.-407G>A (NM_001354223.2, NM_001354226.2); c.-470G>A (NM_001354224.2); c.71G>A, p.Arg24Gln (NM_001354227.2, NM_001354229.2, NM_001354238.1); c.-847G>A (NM_001354233.2); c.-811G>A (NM_001354234.1); c.155G>A, p.Arg52Gln (NM_001363847.1); short protein forms R52Q, R24Q, R29Q.
Identifiers: ClinVar variation 464397 (VCV000464397.21), dbSNP rs141917910, ClinGen allele CA1745148.
Genomic context (GRCh38, chr2:85,863,413, plus strand): 5'-GGTACTTACTTGAGGATGTCTTTTAATAACAAGCTGGGCCTTCTCATCTTGCTTTGAGCT[C>T]GGGTGTACCATTGCAGGGAAGGCCTCGAGCAATCACTTCTCAGTTTCACATAGGTGTACT-3'
Protein context (NP_003887.3, residues 42-62): CSRPSLQWYT[Arg52Gln]AQSKMRRPSL

ClinVar aggregate classification (germline): Conflicting classifications of pathogenicity. Review status: criteria provided, conflicting classifications (1 of 4 stars). 4 submissions from 4 submitters: Uncertain significance (1); Likely benign (2). 1 of the submissions does not count toward it. Last evaluated 2026-01-05.

Conditions:
ST3GAL5-related disorder. Also called: ST3GAL5-related condition.
GM3 synthase deficiency (SPDRS). Also called: SALT AND PEPPER DEVELOPMENTAL REGRESSION SYNDROME; AMISH INFANTILE EPILEPSY SYNDROME; SALT AND PEPPER MENTAL RETARDATION SYNDROME. Identifiers: Orphanet 171714, Orphanet 370933, MedGen C1836824, MONDO:0018274, OMIM 609056.

Allele frequency attached by ClinVar (database versions not stated): gnomAD exomes 0.00008 and 0.00019; ExAC 0.00023; 1000 Genomes Project 30x 0.00078; 1000 Genomes Project 0.00100; ESP Exome Variant Server 0.00100; gnomAD 0.00103 and 0.00110; TOPMed 0.00142.
gnomAD v4.1: 286 of 1,614,160 alleles (0.018%); highest among the groups gnomAD compares: African/African-American, 0.29%; 1 homozygote.

Submissions (4):

Labcorp Genetics (formerly Invitae), Labcorp
Classification: Likely benign for GM3 synthase deficiency. Last evaluated: 2026-01-05. Review status: criteria provided, single submitter. Criteria: Invitae Variant Classification Sherloc (09022015). Collection method: clinical testing. Allele origin: germline.

Athena Diagnostics
Classification: Likely benign. Last evaluated: 2018-11-26. Review status: criteria provided, single submitter. Criteria: Athena Diagnostics Criteria. Collection method: clinical testing. Allele origin: germline.

Eurofins Ntd Llc (ga)
Classification: Uncertain significance. Last evaluated: 2016-12-27. Review status: criteria provided, single submitter. Criteria: EGL Classification Definitions 2015. Collection method: clinical testing. Allele origin: germline. Observed: 1 variant allele, 1 heterozygote.

PreventionGenetics, part of Exact Sciences
Classification: Likely benign for ST3GAL5-related condition. Last evaluated: 2023-06-06. Review status: no assertion criteria provided. Collection method: clinical testing. Allele origin: germline. Not counted in ClinVar's aggregate classification.
Comment: This variant is classified as likely benign based on ACMG/AMP sequence variant interpretation guidelines (Richards et al. 2015 PMID: 25741868, with internal and published modifications).